The following is an entry in ClinVar:

ClinVar aggregate classification (germline): Uncertain significance (1 of 4 stars; one submission).

gnomAD v4.1: 12 of 1,613,142 alleles (0.00074%); highest among the groups gnomAD compares: African/African-American, 0.0027%; no homozygotes.

Submission:

Labcorp Genetics (formerly Invitae), Labcorp
Classification: Uncertain significance. Last evaluated: 2022-05-05. Review status: criteria provided, single submitter. Criteria: Invitae Variant Classification Sherloc (09022015). Collection method: clinical testing. Allele origin: germline.
Comment: Advanced modeling of protein sequence and biophysical properties (such as structural, functional, and spatial information, amino acid conservation, physicochemical variation, residue mobility, and thermodynamic stability) performed at Invitae indicates that this missense variant is not expected to disrupt AGT protein function. In summary, the available evidence is currently insufficient to determine the role of this variant in disease. Therefore, it has been classified as a Variant of Uncertain Significance. This variant has not been reported in the literature in individuals affected with AGT-related conditions. This variant is present in population databases (rs61762541, gnomAD 0.0008%). This sequence change replaces arginine, which is basic and polar, with glutamine, which is neutral and polar, at codon 4 of the AGT protein (p.Arg4Gln).

NM_001384479.1(AGT):c.-17G>A

Gene: AGT (angiotensinogen; minus strand). Cytogenetic location: 1q42.2.
Variant type: single nucleotide variant.
Coding change: c.-17G>A on transcript NM_001384479.1 (MANE Select); 17 bases upstream of the start codon, G replaced by A.
Molecular consequence: 5 prime UTR variant.
Genome position (GRCh38, 1-based): chr1:230,710,840, C>T on the plus strand (G>A on the coding strand, the complement: AGT is on the minus strand). VCF-style: chr1-230710840-C-T. GRCh37 (hg19) VCF-style: chr1-230846586-C-T.
Other names: c.-17G>A (NM_001382817.3).
Identifiers: ClinVar variation 1927847 (VCV001927847.5), dbSNP rs61762541, ClinGen allele CA38872612.
Genomic context (GRCh38, chr1:230,710,840, plus strand): 5'-AGGCAGAGGATGGTGGCCCTCAGGCTCACACCGGCAGGAGCCATCTCAGACTGGGGTGCT[C>T]GCTTCCGCATACCCTGAAATATCATTTTGCAAAGGGTGAAAGGTGGTTATTAACTGACCT-3'